The following is an entry in ClinVar:

NM_080732.4(EGLN2):c.137C>T (p.Pro46Leu)

Genes: EGLN2 (egl-9 family hypoxia inducible factor 2; plus strand), RAB4B-EGLN2 (RAB4B-EGLN2 readthrough (NMD candidate); plus strand). Cytogenetic location: 19q13.2.
Variant type: single nucleotide variant.
Coding change: c.137C>T on transcript NM_080732.4 (MANE Select); coding-DNA position 137, C replaced by T.
Protein change: p.Pro46Leu; replaces proline 46 with leucine.
Molecular consequence: missense variant. On other transcripts: non-coding transcript variant (1).
Genome position (GRCh38, 1-based): chr19:40,800,709, C>T. VCF-style: chr19-40800709-C-T. GRCh37 (hg19) VCF-style: chr19-41306614-C-T.
Other names: c.137C>T, p.Pro46Leu (NM_053046.4); short protein forms P46L.
Identifiers: ClinVar variation 1771252 (VCV001771252.3), dbSNP rs753191476, ClinGen allele CA9452157.

ClinVar aggregate classification (germline): Uncertain significance (1 of 4 stars; one submission).

Allele frequency attached by ClinVar (database versions not stated): ExAC 0.00001; gnomAD 0.00001.
gnomAD v4.1: 5 of 1,613,954 alleles (0.00031%); highest among the groups gnomAD compares: South Asian, 0.0022%; no homozygotes.

Submission:

Ambry Genetics
Classification: Uncertain significance. Last evaluated: 2024-09-03. Review status: criteria provided, single submitter. Criteria: Ambry Variant Classification Scheme 2023. Collection method: clinical testing. Allele origin: germline.
Comment: The p.P46L variant (also known as c.137C>T), located in coding exon 1 of the EGLN2 gene, results from a C to T substitution at nucleotide position 137. The proline at codon 46 is replaced by leucine, an amino acid with similar properties. This amino acid position is conserved. In addition, this alteration is predicted to be tolerated by in silico analysis. Since supporting evidence is limited at this time, the clinical significance of this alteration remains unclear.